The following is an entry in ClinVar:

NM_000512.5(GALNS):c.320-1G>C

Gene: GALNS (galactosamine (N-acetyl)-6-sulfatase; minus strand). Cytogenetic location: 16q24.3.
Variant type: single nucleotide variant.
Coding change: c.320-1G>C on transcript NM_000512.5 (MANE Select); the canonical splice acceptor site of the intron before coding-DNA position 320, G replaced by C.
Molecular consequence: splice acceptor variant.
Genome position (GRCh38, 1-based): chr16:88,841,095, C>G on the plus strand (G>C on the coding strand, the complement: GALNS is on the minus strand). VCF-style: chr16-88841095-C-G. GRCh37 (hg19) VCF-style: chr16-88907503-C-G.
Other names: c.-236-1G>C (NM_001323543.2); c.338-1G>C (NM_001323544.2).
Identifiers: ClinVar variation 1322979 (VCV001322979.9), dbSNP rs1245504167, ClinGen allele CA397088435.
Genomic context (GRCh38, chr16:88,841,095, plus strand): 5'-GCTCCGGCAGGAGCTGCTCCGAGTCTGGGATGCCGCCCACAATCTCCTGCGGTGTGTAGG[C>G]TGGAAGAGCAGCGCTGGGTGAGCCCCGAGGAGACCCCGAGAAGCTGCCACCAACCCCATC-3'

ClinVar aggregate classification (germline): Pathogenic/Likely pathogenic. Review status: criteria provided, multiple submitters, no conflicts (2 of 4 stars). 3 submissions from 3 submitters: Pathogenic (2); Likely pathogenic (1). Last evaluated 2025-06-11.

Conditions:
Mucopolysaccharidosis, MPS-IV-A (MPS4A). Also called: Morquio syndrome A, mild; MORQUIO SYNDROME A; GALACTOSAMINE-6-SULFATASE DEFICIENCY; GALNS DEFICIENCY; MORQUIO A DISEASE; MPS IVA. Identifiers: Orphanet 309297, Orphanet 582, MedGen C0086651, MONDO:0009659, OMIM 253000.

gnomAD v4.1: 1 of 1,612,554 alleles (0.000062%); highest among the groups gnomAD compares: Admixed American, 0.0017%; no homozygotes.

Submissions (3):

Revvity Omics, Revvity
Classification: Pathogenic for Mucopolysaccharidosis, MPS-IV-A. Last evaluated: 2025-06-11. Review status: criteria provided, single submitter. Criteria: ACMG Guidelines, 2015. Collection method: clinical testing. Allele origin: germline.

Labcorp Genetics (formerly Invitae), Labcorp
Classification: Pathogenic for Mucopolysaccharidosis, MPS-IV-A. Last evaluated: 2024-11-05. Review status: criteria provided, single submitter. Criteria: Invitae Variant Classification Sherloc (09022015). Collection method: clinical testing. Allele origin: germline.
Comment: This sequence change affects an acceptor splice site in intron 3 of the GALNS gene. It is expected to disrupt RNA splicing. Variants that disrupt the donor or acceptor splice site typically lead to a loss of protein function (PMID: 16199547), and loss-of-function variants in GALNS are known to be pathogenic (PMID: 12442278). This variant is present in population databases (no rsID available, gnomAD 0.003%). Disruption of this splice site has been observed in individual(s) with mucopolysaccharidosis type IVA (PMID: 23876334, 34387910). ClinVar contains an entry for this variant (Variation ID: 1322979). Algorithms developed to predict the effect of sequence changes on RNA splicing suggest that this variant may disrupt the consensus splice site. For these reasons, this variant has been classified as Pathogenic.

Fulgent Genetics
Classification: Likely pathogenic for Mucopolysaccharidosis, MPS-IV-A. Last evaluated: 2024-04-19. Review status: criteria provided, single submitter. Criteria: ACMG Guidelines, 2015. Collection method: clinical testing. Allele origin: germline.

Literature cited by the submitters: PubMed 16199547 (cited by Labcorp Genetics (formerly Invitae), Labcorp); PubMed 12442278 (cited by Labcorp Genetics (formerly Invitae), Labcorp); PubMed 23876334 (cited by Labcorp Genetics (formerly Invitae), Labcorp); PubMed 34387910 (cited by Labcorp Genetics (formerly Invitae), Labcorp).